The following is an entry in ClinVar:

NM_000719.7(CACNA1C):c.1114-416G>A

Gene: CACNA1C (calcium voltage-gated channel subunit alpha1 C; plus strand). Cytogenetic location: 12p13.33.
Variant type: single nucleotide variant.
Coding change: c.1114-416G>A on transcript NM_000719.7 (MANE Select); 416 bases into the intron before coding-DNA position 1114, G replaced by A.
Molecular consequence: intron variant.
Genome position (GRCh38, 1-based): chr12:2,504,426, G>A. VCF-style: chr12-2504426-G-A. GRCh37 (hg19) VCF-style: chr12-2613592-G-A.
Other names: c.1114-10G>A (NM_001167624.3, NM_001167623.2, NM_001167625.2 and 2 more transcripts); c.1114-416G>A (NM_199460.4, NM_001129827.2, NM_001129832.2 and 14 more transcripts); c.1105-416G>A (NM_001129844.2).
Identifiers: ClinVar variation 379206 (VCV000379206.12), dbSNP rs187604163, ClinGen allele CA6388625.
Genomic context (GRCh38, chr12:2,504,426, plus strand): 5'-ACCTGCTGCCTGCCTCTTTGCTGTAACCCAATTCTGCTTCTTCTTTCCTAACTTTCCTTC[G>A]TCTTTCCAGATGCAGGACGCTATGGGCTATGAGTTACCCTGGGTGTATTTTGTCAGTCTG-3'

ClinVar aggregate classification (germline): Benign/Likely benign. Review status: criteria provided, multiple submitters, no conflicts (2 of 4 stars). 4 submissions from 4 submitters: Benign (1); Likely benign (3). Last evaluated 2026-01-28.

Conditions:
Long QT syndrome (LQTS). Identifiers: MedGen C0023976, MeSH D008133, MONDO:0002442. Disease mechanism: loss of function. Inheritance: Various modes of inheritance.
CACNA1C-related disorder. Also called: CACNA1C-related disorders; CACNA1C-related condition. Identifiers: MONDO:0700321, MedGen CN381092.

Allele frequency attached by ClinVar (database versions not stated): 1000 Genomes Project 30x 0.00047; TOPMed 0.00014; 1000 Genomes Project 0.00060; ESP Exome Variant Server 0.00010; gnomAD 0.00014 and 0.00016.
gnomAD v4.1: 90 of 1,523,504 alleles (0.0059%); highest among the groups gnomAD compares: African/African-American, 0.049%; 1 homozygote.

Submissions (4):

Labcorp Genetics (formerly Invitae), Labcorp
Classification: Likely benign for Long QT syndrome. Last evaluated: 2026-01-28. Review status: criteria provided, single submitter. Criteria: Invitae Variant Classification Sherloc (09022015). Collection method: clinical testing. Allele origin: germline.

PreventionGenetics, part of Exact Sciences
Classification: Likely benign for CACNA1C-related condition. Last evaluated: 2026-01-06. Review status: criteria provided, single submitter. Criteria: ACMG Guidelines, 2015. Collection method: clinical testing. Allele origin: germline.
Comment: This variant is classified as likely benign based on ACMG/AMP sequence variant interpretation guidelines (Richards et al. 2015 PMID: 25741868, with internal and published modifications).

Molecular Diagnostic Laboratory for Inherited Cardiovascular Disease, Montreal Heart Institute
Classification: Likely benign. Last evaluated: 2025-04-09. Review status: criteria provided, single submitter. Criteria: ACMG Guidelines, 2015. Collection method: clinical testing. Allele origin: germline. Affected: no.

GeneDx
Classification: Benign. Last evaluated: 2015-06-10. Review status: criteria provided, single submitter. Criteria: GeneDx Variant Classification (06012015). Collection method: clinical testing. Allele origin: germline. Affected: yes.
Comment: This variant is considered likely benign or benign based on one or more of the following criteria: it is a conservative change, it occurs at a poorly conserved position in the protein, it is predicted to be benign by multiple in silico algorithms, and/or has population frequency not consistent with disease.